The following is an entry in ClinVar:

ClinVar aggregate classification (germline): Uncertain significance (1 of 4 stars; one submission).

Allele frequency attached by ClinVar (database versions not stated): ExAC 0.00001; gnomAD exomes 0.00002.
gnomAD v4.1: 20 of 1,610,924 alleles (0.0012%); highest among the groups gnomAD compares: Middle Eastern, 0.016%; no homozygotes.

Submission:

Labcorp Genetics (formerly Invitae), Labcorp
Classification: Uncertain significance. Last evaluated: 2022-07-26. Review status: criteria provided, single submitter. Criteria: Invitae Variant Classification Sherloc (09022015). Collection method: clinical testing. Allele origin: germline.
Comment: This sequence change replaces serine, which is neutral and polar, with leucine, which is neutral and non-polar, at codon 862 of the PTPN23 protein (p.Ser862Leu). This variant is present in population databases (rs759700599, gnomAD 0.01%). This variant has not been reported in the literature in individuals affected with PTPN23-related conditions. ClinVar contains an entry for this variant (Variation ID: 1407648). Algorithms developed to predict the effect of missense changes on protein structure and function are either unavailable or do not agree on the potential impact of this missense change (SIFT: "Tolerated"; PolyPhen-2: "Not Available"; Align-GVGD: "Class C0"). In summary, the available evidence is currently insufficient to determine the role of this variant in disease. Therefore, it has been classified as a Variant of Uncertain Significance.

NM_015466.4(PTPN23):c.2585C>T (p.Ser862Leu)

Gene: PTPN23 (protein tyrosine phosphatase non-receptor type 23; plus strand). Cytogenetic location: 3p21.31.
Variant type: single nucleotide variant.
Coding change: c.2585C>T on transcript NM_015466.4 (MANE Select); coding-DNA position 2585, C replaced by T.
Protein change: p.Ser862Leu; replaces serine 862 with leucine.
Molecular consequence: missense variant.
Genome position (GRCh38, 1-based): chr3:47,410,383, C>T. VCF-style: chr3-47410383-C-T. GRCh37 (hg19) VCF-style: chr3-47451873-C-T.
Other names: c.2207C>T, p.Ser736Leu (NM_001304482.2); short protein forms S736L, S862L.
Identifiers: ClinVar variation 1407648 (VCV001407648.5), dbSNP rs759700599, ClinGen allele CA2366079.
Genomic context (GRCh38, chr3:47,410,383, plus strand): 5'-GCGTGGTGAGCAGTCCCTATGTGGGGGTAGGGCCGGCCCCACCAGTTGCAGGTCTCCCCT[C>T]GGCCCCACCTCCTCAATTCTCAGGCCCCGAGTTGGCCATGGCGGTTCGGCCAGCCACCAC-3'
Protein context (NP_056281.1, residues 852-872): GPAPPVAGLP[Ser862Leu]APPPQFSGPE